The following is an entry in ClinVar:

NM_000492.4(CFTR):c.3169A>G (p.Thr1057Ala)

Genes: CFTR (CF transmembrane conductance regulator; plus strand), CFTR-AS2 (CFTR antisense RNA 2; minus strand), LOC111674472 (DNase I hypersensitive sites in introns 16 and 17a of CFTR; plus strand). Cytogenetic location: 7q31.2.
Variant type: single nucleotide variant.
Coding change: c.3169A>G on transcript NM_000492.4 (MANE Select); coding-DNA position 3169, A replaced by G.
Protein change: p.Thr1057Ala; replaces threonine 1057 with alanine.
Molecular consequence: missense variant.
Genome position (GRCh38, 1-based): chr7:117,611,610, A>G. VCF-style: chr7-117611610-A-G. GRCh37 (hg19) VCF-style: chr7-117251664-A-G.
Other names: p.Thr1057Ala; short protein forms T1057A.
Identifiers: ClinVar variation 53668 (VCV000053668.28), dbSNP rs397508511, ClinGen allele CA327072.

ClinVar aggregate classification (germline): Uncertain significance. Review status: criteria provided, multiple submitters, no conflicts (2 of 4 stars). 11 submissions from 11 submitters: Uncertain significance (9). 2 of the submissions do not count toward it. Last evaluated 2026-02-02.

Conditions:
CFTR-related disorder (CFTR-RD). Also called: CFTR-related disorders; CFTR-related condition. Identifiers: MedGen C5924204, MONDO:7770004.
Cystic fibrosis (CF). Also called: MUCOVISCIDOSIS. Identifiers: Orphanet 586, MedGen C0010674, MONDO:0009061, OMIM 219700. Disease mechanism: loss of function.

Allele frequency attached by ClinVar (database versions not stated): ExAC 0.00001; TOPMed 0.00006; gnomAD 0.00004; gnomAD exomes 0.00001 and 0.00003.
gnomAD v4.1: 27 of 1,612,458 alleles (0.0017%); highest among the groups gnomAD compares: Admixed American, 0.01%; no homozygotes.

Submissions (11):

Women's Health and Genetics/Laboratory Corporation of America, LabCorp
Classification: Uncertain significance. Last evaluated: 2026-02-02. Review status: criteria provided, single submitter. Criteria: LabCorp Variant Classification Summary - May 2015. Collection method: clinical testing. Allele origin: germline.
Comment: Variant summary: CFTR c.3169A>G (p.Thr1057Ala) results in a non-conservative amino acid change in the encoded protein sequence. Algorithms developed to predict the effect of missense changes on protein structure and function all suggest that this variant is likely to be disruptive. The variant allele was found at a frequency of 3.2e-05 in 250640 control chromosomes. The available data on variant occurrences in the general population are insufficient to allow any conclusion about variant significance. c.3169A>G has been observed in individuals affected with Cystic Fibrosis (e.g. DalMaso_2013, Rispoli_2020, da Silva_2020, Bozdogan_2021). However, these reports do not provide unequivocal conclusions about association of the variant with Cystic Fibrosis. To our knowledge, no experimental evidence demonstrating an impact on protein function has been reported. The following publications have been ascertained in the context of this evaluation (PMID: 33572515, 11504857, 23670503, 16311287, 25735457, 32185651, 32819855). ClinVar contains an entry for this variant (Variation ID: 53668). Based on the evidence outlined above, the variant was classified as uncertain significance.

Mayo Clinic Laboratories, Mayo Clinic
Classification: Uncertain significance. Last evaluated: 2025-09-05. Review status: criteria provided, single submitter. Criteria: ACMG Guidelines, 2015. Collection method: clinical testing. Allele origin: germline. Observed: 1 variant allele.
Comment: PM2_supporting

Ambry Genetics
Classification: Uncertain significance for Cystic fibrosis. Last evaluated: 2025-02-25. Review status: criteria provided, single submitter. Criteria: Ambry Variant Classification Scheme 2023. Collection method: clinical testing. Allele origin: germline.
Comment: The p.T1057A variant (also known as c.3169A>G), located in coding exon 20 of the CFTR gene, results from an A to G substitution at nucleotide position 3169. The threonine at codon 1057 is replaced by alanine, an amino acid with similar properties. This variant was reported in an individual with suspected mild or atypical cystic fibrosis; no second variant was detected in the individual and clinical information was not provided (Dal'Maso VB et al, J Bras Pneumol; 39(2):181-9). This amino acid position is not well conserved in available vertebrate species. In addition, the in silico prediction for this alteration is inconclusive. Based on the available evidence, the clinical significance of this variant remains unclear.

Labcorp Genetics (formerly Invitae), Labcorp
Classification: Uncertain significance for Cystic fibrosis. Last evaluated: 2022-10-15. Review status: criteria provided, single submitter. Criteria: Invitae Variant Classification Sherloc (09022015). Collection method: clinical testing. Allele origin: germline.
Comment: This sequence change replaces threonine, which is neutral and polar, with alanine, which is neutral and non-polar, at codon 1057 of the CFTR protein (p.Thr1057Ala). This variant is present in population databases (rs397508511, gnomAD 0.01%). This missense change has been observed in individual(s) with mild clinical features of cystic fibrosis (PMID: 23670503, 32819855). ClinVar contains an entry for this variant (Variation ID: 53668). Advanced modeling of protein sequence and biophysical properties (such as structural, functional, and spatial information, amino acid conservation, physicochemical variation, residue mobility, and thermodynamic stability) performed at Invitae indicates that this missense variant is not expected to disrupt CFTR protein function. In summary, the available evidence is currently insufficient to determine the role of this variant in disease. Therefore, it has been classified as a Variant of Uncertain Significance.

Revvity Omics, Revvity
Classification: Uncertain significance. Last evaluated: 2022-06-27. Review status: criteria provided, single submitter. Criteria: ACMG Guidelines, 2015. Collection method: clinical testing. Allele origin: germline.

Genome-Nilou Lab
Classification: Uncertain significance for Cystic fibrosis. Last evaluated: 2021-09-05. Review status: criteria provided, single submitter. Criteria: ACMG Guidelines, 2015. Collection method: clinical testing. Allele origin: germline. Affected: no.

Mendelics
Classification: Uncertain significance for Cystic fibrosis. Last evaluated: 2018-11-05. Review status: criteria provided, single submitter. Criteria: Mendelics Assertion Criteria 2017. Collection method: clinical testing. Allele origin: unknown. Affected: yes.

Eurofins Ntd Llc (ga)
Classification: Uncertain significance. Last evaluated: 2015-09-02. Review status: criteria provided, single submitter. Criteria: EGL Classification Definitions 2015. Collection method: clinical testing. Allele origin: germline. Observed: 1 variant allele, 1 heterozygote.

Breakthrough Genomics
Classification: Uncertain significance. Review status: criteria provided, single submitter. Criteria: ACMG Guidelines, 2015. Collection method: not provided. Allele origin: germline. Inheritance: Autosomal recessive inheritance. Affected: yes.

Natera, Inc.
Classification: Uncertain significance for CFTR-related disorders. Last evaluated: 2018-05-22. Review status: no assertion criteria provided. Collection method: clinical testing. Allele origin: germline. Not counted in ClinVar's aggregate classification.

Counsyl
Classification: Uncertain significance for Cystic fibrosis. Last evaluated: 2017-12-04. Review status: no assertion criteria provided. Collection method: clinical testing. Allele origin: unknown. Not counted in ClinVar's aggregate classification.

Literature cited by the submitters: PubMed 16311287 (cited by Women's Health and Genetics/Laboratory Corporation of America, LabCorp); PubMed 11504857 (cited by Women's Health and Genetics/Laboratory Corporation of America, LabCorp); PubMed 23670503 (cited by 5 submitters); PubMed 25735457 (cited by Women's Health and Genetics/Laboratory Corporation of America, LabCorp and Mayo Clinic Laboratories, Mayo Clinic); PubMed 32819855 (cited by 3 submitters); PubMed 32185651 (cited by Women's Health and Genetics/Laboratory Corporation of America, LabCorp and Mayo Clinic Laboratories, Mayo Clinic); PubMed 33572515 (cited by Women's Health and Genetics/Laboratory Corporation of America, LabCorp and Mayo Clinic Laboratories, Mayo Clinic).